The following is an entry in ClinVar:

ClinVar aggregate classification (germline): Uncertain significance. Review status: criteria provided, single submitter (1 of 4 stars). 3 submissions from 3 submitters: Uncertain significance (1). 2 of the submissions do not count toward it. Last evaluated 2024-09-13.

Conditions:
Familial infantile myasthenia (CMS6). Also called: MYASTHENIC SYNDROME, PRESYNAPTIC, CONGENITAL, ASSOCIATED WITH EPISODIC APNEA; Congenital myasthenic syndrome type 6; MYASTHENIC SYNDROME, CONGENITAL, 6, PRESYNAPTIC. Identifiers: Orphanet 590, MedGen C0393929, MONDO:0009689, OMIM 254210.

Allele frequency attached by ClinVar (database versions not stated): gnomAD 0.00001; gnomAD exomes 0.00002; ExAC 0.00004.
gnomAD v4.1: 38 of 1,613,586 alleles (0.0024%); highest among the groups gnomAD compares: Non-Finnish European, 0.0027%; no homozygotes.

Submissions (3):

Labcorp Genetics (formerly Invitae), Labcorp
Classification: Uncertain significance for Familial infantile myasthenia. Last evaluated: 2024-09-13. Review status: criteria provided, single submitter. Criteria: Invitae Variant Classification Sherloc (09022015). Collection method: clinical testing. Allele origin: germline.
Comment: This sequence change replaces valine, which is neutral and non-polar, with methionine, which is neutral and non-polar, at codon 430 of the CHAT protein (p.Val430Met). This variant is present in population databases (rs745991038, gnomAD 0.005%). This missense change has been observed in individual(s) with clinical features of CHAT-related conditions (PMID: 31127727). ClinVar contains an entry for this variant (Variation ID: 1209960). Invitae Evidence Modeling of protein sequence and biophysical properties (such as structural, functional, and spatial information, amino acid conservation, physicochemical variation, residue mobility, and thermodynamic stability) indicates that this missense variant is expected to disrupt CHAT protein function with a positive predictive value of 80%. In summary, the available evidence is currently insufficient to determine the role of this variant in disease. Therefore, it has been classified as a Variant of Uncertain Significance.

Genome Diagnostics Laboratory, Amsterdam University Medical Center
Classification: Likely pathogenic. Review status: no assertion criteria provided. Collection method: clinical testing. Allele origin: germline. Affected: yes. Study: VKGL Data-share Consensus. Not counted in ClinVar's aggregate classification.

Joint Genome Diagnostic Labs from Nijmegen and Maastricht, Radboudumc and MUMC+
Classification: Likely pathogenic. Review status: no assertion criteria provided. Collection method: clinical testing. Allele origin: germline. Affected: yes. Study: VKGL Data-share Consensus. Not counted in ClinVar's aggregate classification.

Literature cited by the submitters: PubMed 31127727 (cited by Labcorp Genetics (formerly Invitae), Labcorp).

NM_020549.5(CHAT):c.1288G>A (p.Val430Met)

Gene: CHAT (choline O-acetyltransferase; plus strand). Cytogenetic location: 10q11.23.
Variant type: single nucleotide variant.
Coding change: c.1288G>A on transcript NM_020549.5 (MANE Select); coding-DNA position 1288, G replaced by A.
Protein change: p.Val430Met; replaces valine 430 with methionine.
Molecular consequence: missense variant.
Genome position (GRCh38, 1-based): chr10:49,648,513, G>A. VCF-style: chr10-49648513-G-A. GRCh37 (hg19) VCF-style: chr10-50856559-G-A.
Other names: c.934G>A, p.Val312Met (NM_001142929.2, NM_001142934.2, NM_020984.4 and 2 more transcripts); c.1042G>A, p.Val348Met (NM_001142933.2); short protein forms V312M, V348M, V430M.
Identifiers: ClinVar variation 1209960 (VCV001209960.5), dbSNP rs745991038, ClinGen allele CA5497444.